The following is an entry in ClinVar:

NM_000059.4(BRCA2):c.8589del (p.Ala2864fs)

Gene: BRCA2 (BRCA2 DNA repair associated; plus strand). Cytogenetic location: 13q13.1.
Variant type: Deletion.
Coding change: c.8589del on transcript NM_000059.4 (MANE Select); coding-DNA position 8589, one base deleted (A; older notation c.8589delA).
Protein change: p.Ala2864fs; shifts the reading frame from alanine 2864.
Molecular consequence: frameshift variant. On other transcripts: non-coding transcript variant (1).
Genome position (GRCh38, 1-based): chr13:32,371,057, A deleted; the last of 2 consecutive A bases (chr13:32,371,056-32,371,057); deleting either gives the same sequence. VCF-style (leftmost placement, unchanged base first): chr13-32371055-GA-G. GRCh37 (hg19) VCF-style: chr13-32945192-GA-G.
Other names: c.8493del, p.Ala2832fs (NM_001406719.1); c.8589del, p.Ala2864fs (NM_001406720.1); c.3657del, p.Ala1220fs (NM_001406721.1); c.2172del, p.Ala725fs (NM_001406722.1); short protein forms A1220fs, A2864fs, A2832fs, A725fs.
Identifiers: ClinVar variation 3261621 (VCV003261621.1).

ClinVar aggregate classification (germline): Pathogenic (1 of 4 stars; one submission).

Conditions:
Hereditary cancer-predisposing syndrome. Also called: Hereditary Cancer Syndrome; Tumor predisposition; Hereditary neoplastic syndrome; Neoplastic Syndromes, Hereditary. Identifiers: Orphanet 140162, MedGen C0027672, MeSH D009386, MONDO:0015356.

Submission:

Ambry Genetics
Classification: Pathogenic for Hereditary cancer-predisposing syndrome. Last evaluated: 2024-05-21. Review status: criteria provided, single submitter. Criteria: Ambry Variant Classification Scheme 2023. Collection method: clinical testing. Allele origin: germline.
Comment: The c.8589delA pathogenic mutation, located in coding exon 19 of the BRCA2 gene, results from a deletion of one nucleotide at nucleotide position 8589, causing a translational frameshift with a predicted alternate stop codon (p.A2864Pfs*27). This variant is considered to be rare based on population cohorts in the Genome Aggregation Database (gnomAD). This alteration is expected to result in loss of function by premature protein truncation or nonsense-mediated mRNA decay. As such, this alteration is interpreted as a disease-causing mutation.